The following is an entry in ClinVar:

ClinVar aggregate classification (germline): Uncertain significance. Review status: criteria provided, multiple submitters, no conflicts (2 of 4 stars). 5 submissions from 5 submitters: Uncertain significance (5). Last evaluated 2025-09-18.

Conditions:
Supravalvar aortic stenosis (SVAS). Also called: Supravalvar aortic stenosis, Eisenberg type. Identifiers: Orphanet 3193, MedGen C0003499, MONDO:0008504, OMIM 185500, HP:0004381.
Williams syndrome (WBS). Also called: CHROMOSOME 7q11.23 DELETION SYNDROME, 1.5- TO 1.8-MB; WILLIAMS-BEUREN SYNDROME. Identifiers: Orphanet 904, MedGen C0175702, MONDO:0008678, OMIM 194050. Disease mechanism: loss of function.
Cutis laxa, autosomal dominant 1 (ADCL1). Also called: ELN-Related Cutis Laxa. Identifiers: Orphanet 90348, MedGen C3276539, MONDO:0007411, OMIM 123700. Disease mechanism: Dominant Negative.
Inborn genetic diseases. Identifiers: MedGen C0950123, MeSH D030342.

Allele frequency attached by ClinVar (database versions not stated): gnomAD exomes 0.00002 and 0.00006; ExAC 0.00004; TOPMed 0.00009; gnomAD 0.00010 and 0.00011; ESP Exome Variant Server 0.00023.
gnomAD v4.1: 56 of 1,613,892 alleles (0.0035%); highest among the groups gnomAD compares: African/African-American, 0.024%; no homozygotes.

Submissions (5):

Labcorp Genetics (formerly Invitae), Labcorp
Classification: Uncertain significance for Supravalvar aortic stenosis. Last evaluated: 2025-09-18. Review status: criteria provided, single submitter. Criteria: Invitae Variant Classification Sherloc (09022015). Collection method: clinical testing. Allele origin: germline.
Comment: This sequence change replaces glycine, which is neutral and non-polar, with arginine, which is basic and polar, at codon 68 of the ELN protein (p.Gly68Arg). This variant is present in population databases (rs372566075, gnomAD 0.05%), and has an allele count higher than expected for a pathogenic variant. This variant has not been reported in the literature in individuals affected with ELN-related conditions. ClinVar contains an entry for this variant (Variation ID: 524217). Invitae Evidence Modeling of protein sequence and biophysical properties (such as structural, functional, and spatial information, amino acid conservation, physicochemical variation, residue mobility, and thermodynamic stability) indicates that this missense variant is not expected to disrupt ELN protein function with a negative predictive value of 80%. In summary, the available evidence is currently insufficient to determine the role of this variant in disease. Therefore, it has been classified as a Variant of Uncertain Significance.

Ambry Genetics
Classification: Uncertain significance for Inborn genetic diseases. Last evaluated: 2025-06-06. Review status: criteria provided, single submitter. Criteria: Ambry Variant Classification Scheme 2023. Collection method: clinical testing. Allele origin: germline.

CeGaT Center for Human Genetics Tuebingen
Classification: Uncertain significance. Last evaluated: 2024-10-01. Review status: criteria provided, single submitter. Criteria: CeGaT Center For Human Genetics Tuebingen Variant Classification Criteria Version 2. Collection method: clinical testing. Allele origin: germline. Affected: yes. Observed: 1 variant allele.

GeneDx
Classification: Uncertain significance. Last evaluated: 2023-04-27. Review status: criteria provided, single submitter. Criteria: GeneDx Variant Classification Process June 2021. Collection method: clinical testing. Allele origin: germline. Affected: yes.
Comment: Has not been previously published as pathogenic or benign to our knowledge; In silico analysis supports that this missense variant has a deleterious effect on protein structure/function

Fulgent Genetics
Classification: Uncertain significance for Cutis laxa, autosomal dominant 1; Supravalvar aortic stenosis; Williams syndrome. Last evaluated: 2021-12-03. Review status: criteria provided, single submitter. Criteria: ACMG Guidelines, 2015. Collection method: clinical testing. Allele origin: unknown.

NM_000501.4(ELN):c.202G>A (p.Gly68Arg)

Gene: ELN (elastin; plus strand). Cytogenetic location: 7q11.23.
Variant type: single nucleotide variant.
Coding change: c.202G>A on transcript NM_000501.4 (MANE Select); coding-DNA position 202, G replaced by A.
Protein change: p.Gly68Arg; replaces glycine 68 with arginine.
Molecular consequence: missense variant. On other transcripts: intron variant (1).
Genome position (GRCh38, 1-based): chr7:74,041,221, G>A. VCF-style: chr7-74041221-G-A. GRCh37 (hg19) VCF-style: chr7-73455551-G-A.
Other names: c.172G>A, p.Gly58Arg (NM_001081752.3, NM_001278914.2, NM_001278917.2 and 1 more transcripts); c.202G>A, p.Gly68Arg (NM_001081753.3, NM_001081754.3, NM_001081755.3 and 4 more transcripts); c.197-1393G>A (NM_001278913.2); short protein forms G68R, G58R.
Identifiers: ClinVar variation 524217 (VCV000524217.27), dbSNP rs372566075, ClinGen allele CA4292378.
Genomic context (GRCh38, chr7:74,041,221, plus strand): 5'-CCACTCTGGGCCTAGGAACACTGCCTACACTCCTGTCTCTGTTTCTTATCCACAGTTCCC[G>A]GAGGGCTTGCGGGTGCTGGCCTTGGGGCAGGTGAGTGCTGACACCCAAGAAAGATATCCC-3'
Protein context (NP_000492.2, residues 58-78): PGGKPLKPVP[Gly68Arg]GLAGAGLGAG